The following is an entry in ClinVar:

NM_206933.4(USH2A):c.10734T>C (p.Ser3578=)

Gene: USH2A (usherin; minus strand). Cytogenetic location: 1q41.
Variant type: single nucleotide variant.
Coding change: c.10734T>C on transcript NM_206933.4 (MANE Select); coding-DNA position 10734, T replaced by C.
Protein change: p.Ser3578=; no amino-acid change (serine 3578 retained).
Molecular consequence: synonymous variant.
Genome position (GRCh38, 1-based): chr1:215,782,048, A>G on the plus strand (T>C on the coding strand, the complement: USH2A is on the minus strand). VCF-style: chr1-215782048-A-G. GRCh37 (hg19) VCF-style: chr1-215955390-A-G.
Identifiers: ClinVar variation 864738 (VCV000864738.11), dbSNP rs1661658126, ClinGen allele CA423313180.
Genomic context (GRCh38, chr1:215,782,048, plus strand): 5'-AGATAATCTTCACACTGAACCCCTTTTCCCAGAGTTTAGGCAAACTCCTCTTACCTTGCT[A>G]CTGGTGGCACAGCCAGCAACCGTGCAAGCTTTCAGCTGATATGAATATTCCTGAAATGGT-3'
Protein context (NP_996816.3, residues 3568-3588): KACTVAGCAT[Ser3578=]SKVVAATTQG

ClinVar aggregate classification (germline): Likely benign. Review status: criteria provided, single submitter (1 of 4 stars). 3 submissions from 3 submitters: Likely benign (1). 2 of the submissions do not count toward it. Last evaluated 2023-10-22.

Conditions:
Usher syndrome type 2A. Also called: USHER SYNDROME, TYPE IIA; RETINAL DISEASE IN USHER SYNDROME TYPE IIA, MODIFIER OF. Identifiers: Orphanet 231178, Orphanet 886, MedGen C1848634, MONDO:0010169, OMIM 276901.
USH2A-related disorder. Also called: USH2A-related disorders; USH2A-related condition. Identifiers: MedGen CN239332.

gnomAD v4.1: 3 of 1,613,910 alleles (0.00019%); highest among the groups gnomAD compares: African/African-American, 0.0027%; no homozygotes.

Submissions (3):

Labcorp Genetics (formerly Invitae), Labcorp
Classification: Likely benign. Last evaluated: 2023-10-22. Review status: criteria provided, single submitter. Criteria: Invitae Variant Classification Sherloc (09022015). Collection method: clinical testing. Allele origin: germline.

Natera, Inc.
Classification: Uncertain significance for Usher syndrome type 2A. Last evaluated: 2020-08-25. Review status: no assertion criteria provided. Collection method: clinical testing. Allele origin: germline. Not counted in ClinVar's aggregate classification.

PreventionGenetics, part of Exact Sciences
Classification: Likely benign for USH2A-related condition. Last evaluated: 2019-03-12. Review status: no assertion criteria provided. Collection method: clinical testing. Allele origin: germline. Not counted in ClinVar's aggregate classification.
Comment: This variant is classified as likely benign based on ACMG/AMP sequence variant interpretation guidelines (Richards et al. 2015 PMID: 25741868, with internal and published modifications).